The following is an entry in ClinVar:

ClinVar aggregate classification (germline): Benign/Likely benign. Review status: criteria provided, multiple submitters, no conflicts (2 of 4 stars). 28 submissions from 21 submitters: Benign (17); Likely benign (5). 6 of the submissions do not count toward it. Last evaluated 2026-02-04.

Conditions:
Cardiovascular phenotype. Identifiers: MedGen CN230736.
TTN-related disorder. Also called: TTN-related disorders; TTN-related condition; TTN-related disease.
Dilated cardiomyopathy 1G (CMD1G). Identifiers: Orphanet 154, MedGen C1858763, MONDO:0011400, OMIM 604145.
Autosomal recessive limb-girdle muscular dystrophy type 2J (LGMDR10). Also called: Limb-girdle muscular dystrophy, type 2J; MUSCULAR DYSTROPHY, LIMB-GIRDLE, AUTOSOMAL RECESSIVE 10. Identifiers: Orphanet 140922, MedGen C1837342, MONDO:0012127, OMIM 608807.
Cardiomyopathy (CMYO). Also called: Cardiomyopathies. Identifiers: Orphanet 167848, MedGen C0878544, MONDO:0004994, HP:0001638. Inheritance: Various modes of inheritance.
Early-onset myopathy with fatal cardiomyopathy (CMYO5). Also called: CONGENITAL MYOPATHY 5 WITH CARDIOMYOPATHY; Salih Myopathy. Identifiers: Orphanet 289377, MedGen C2673677, MONDO:0012714, OMIM 611705. Disease mechanism: loss of function.
Myopathy, myofibrillar, 9, with early respiratory failure (MFM9). Also called: MYOPATHY, PROXIMAL, WITH EARLY RESPIRATORY MUSCLE INVOLVEMENT; Myopathy, distal, with early respiratory failure, autosomal dominant; Hereditary myopathy with early respiratory failure; EDSTROM MYOPATHY. Identifiers: Orphanet 178464, Orphanet 34521, MedGen C1863599, MONDO:0011362, OMIM 603689.
Tibial muscular dystrophy (TMD). Also called: Tibial muscular dystrophy, tardive; UDD MYOPATHY; Udd Distal Myopathy – Tibial Muscular Dystrophy. Identifiers: Orphanet 609, MedGen C1838244, MONDO:0010870, OMIM 600334.

Allele frequency attached by ClinVar (database versions not stated): 1000 Genomes Project 0.00938; 1000 Genomes Project 30x 0.00999; TOPMed 0.01558; gnomAD exomes 0.01648 and 0.01917; gnomAD 0.01656 and 0.01659; ExAC 0.01673; ESP Exome Variant Server 0.01734.
gnomAD v4.1: 30,196 of 1,601,274 alleles (1.9%); highest among the groups gnomAD compares: Non-Finnish European, 2.1%; 339 homozygotes.

Submissions 1 to 18 of 28:

Labcorp Genetics (formerly Invitae), Labcorp
Classification: Benign for Dilated cardiomyopathy 1G; Autosomal recessive limb-girdle muscular dystrophy type 2J. Last evaluated: 2026-02-04. Review status: criteria provided, single submitter. Criteria: Invitae Variant Classification Sherloc (09022015). Collection method: clinical testing. Allele origin: germline.

ARUP Laboratories, Molecular Genetics and Genomics, ARUP Laboratories
Classification: Benign. Last evaluated: 2025-07-10. Review status: criteria provided, single submitter. Criteria: ARUP Molecular Germline Variant Investigation Process 2024. Collection method: clinical testing. Allele origin: germline.

Molecular Diagnostic Laboratory for Inherited Cardiovascular Disease, Montreal Heart Institute
Classification: Likely benign. Last evaluated: 2025-04-09. Review status: criteria provided, single submitter. Criteria: ACMG Guidelines, 2015. Collection method: clinical testing. Allele origin: germline. Affected: no.

Athena Diagnostics
Classification: Benign. Last evaluated: 2023-12-08. Review status: criteria provided, single submitter. Criteria: Athena Diagnostics Criteria. Collection method: clinical testing. Allele origin: unknown.

Genome-Nilou Lab
Classification: Benign for Autosomal recessive limb-girdle muscular dystrophy type 2J. Last evaluated: 2021-09-10. Review status: criteria provided, single submitter. Criteria: ACMG Guidelines, 2015. Collection method: clinical testing. Allele origin: germline. Affected: no.

Genome-Nilou Lab
Classification: Benign for Myopathy, myofibrillar, 9, with early respiratory failure. Last evaluated: 2021-09-10. Review status: criteria provided, single submitter. Criteria: ACMG Guidelines, 2015. Collection method: clinical testing. Allele origin: germline. Affected: no.

Genome-Nilou Lab
Classification: Benign for Early-onset myopathy with fatal cardiomyopathy. Last evaluated: 2021-09-10. Review status: criteria provided, single submitter. Criteria: ACMG Guidelines, 2015. Collection method: clinical testing. Allele origin: germline. Affected: no.

Genome-Nilou Lab
Classification: Benign for Tibial muscular dystrophy. Last evaluated: 2021-09-10. Review status: criteria provided, single submitter. Criteria: ACMG Guidelines, 2015. Collection method: clinical testing. Allele origin: germline. Affected: no.

CHEO Genetics Diagnostic Laboratory, Children's Hospital of Eastern Ontario
Classification: Benign for Cardiomyopathy. Last evaluated: 2019-11-26. Review status: criteria provided, single submitter. Criteria: ACMG Guidelines, 2015. Collection method: clinical testing. Allele origin: germline.

Women's Health and Genetics/Laboratory Corporation of America, LabCorp
Classification: Benign. Last evaluated: 2019-10-30. Review status: criteria provided, single submitter. Criteria: LabCorp Variant Classification Summary - May 2015. Collection method: clinical testing. Allele origin: germline.
Comment: Variant summary: TTN c.22204C>T (p.Arg7402Cys) results in a non-conservative amino acid change located in the I-band region of the encoded protein sequence. Three of five in-silico tools predict a benign effect of the variant on protein function. The variant allele was found at a frequency of 0.016 in 239390 control chromosomes in the gnomAD database, including 37 homozygotes. The observed variant frequency is approximately 26 fold of the estimated maximal expected allele frequency for a pathogenic variant in TTN causing Cardiomyopathy phenotype (0.00063), strongly suggesting that the variant is benign. To our knowledge, no occurrence of c.22204C>T in individuals affected with Cardiomyopathy and no experimental evidence demonstrating its impact on protein function have been reported. Two ClinVar submitters (evaluation after 2014) cite the variant as benign (n=1) and as uncertain significance (n=1). Based on the evidence outlined above, the variant was classified as benign.

Mayo Clinic Laboratories, Mayo Clinic
Classification: Benign. Last evaluated: 2018-05-08. Review status: criteria provided, single submitter. Criteria: ACMG Guidelines, 2015. Collection method: clinical testing. Allele origin: germline. Observed: 80 variant alleles.

Illumina Laboratory Services, Illumina
Classification: Likely benign for Autosomal recessive limb-girdle muscular dystrophy type 2J. Last evaluated: 2018-01-13. Review status: criteria provided, single submitter. Criteria: ICSL Variant Classification Criteria 13 December 2019. Collection method: clinical testing. Allele origin: germline.
Comment: This variant was observed in the ICSL laboratory as part of a predisposition screen in an ostensibly healthy population. It had not been previously curated by ICSL or reported in the Human Gene Mutation Database (HGMD: prior to June 1st, 2018), and was therefore a candidate for classification through an automated scoring system. Utilizing variant allele frequency, disease prevalence and penetrance estimates, and inheritance mode, an automated score was calculated to assess if this variant is too frequent to cause the disease. Based on the score and internal cut-off values, a variant classified as likely benign is not then subjected to further curation. The score for this variant resulted in a classification of likely benign for this disease.

Illumina Laboratory Services, Illumina
Classification: Likely benign for Dilated cardiomyopathy 1G. Last evaluated: 2018-01-13. Review status: criteria provided, single submitter. Criteria: ICSL Variant Classification Criteria 13 December 2019. Collection method: clinical testing. Allele origin: germline.
Comment: the same text as in the submission from Illumina Laboratory Services, Illumina above.

Illumina Laboratory Services, Illumina
Classification: Benign for Myopathy, myofibrillar, 9, with early respiratory failure. Last evaluated: 2018-01-13. Review status: criteria provided, single submitter. Criteria: ICSL Variant Classification Criteria 13 December 2019. Collection method: clinical testing. Allele origin: germline.
Comment: This variant was observed in the ICSL laboratory as part of a predisposition screen in an ostensibly healthy population. It had not been previously curated by ICSL or reported in the Human Gene Mutation Database (HGMD: prior to June 1st, 2018), and was therefore a candidate for classification through an automated scoring system. Utilizing variant allele frequency, disease prevalence and penetrance estimates, and inheritance mode, an automated score was calculated to assess if this variant is too frequent to cause the disease. Based on the score and internal cut-off values, a variant classified as benign is not then subjected to further curation. The score for this variant resulted in a classification of benign for this disease.

Illumina Laboratory Services, Illumina
Classification: Likely benign for Early-onset myopathy with fatal cardiomyopathy. Last evaluated: 2018-01-13. Review status: criteria provided, single submitter. Criteria: ICSL Variant Classification Criteria 13 December 2019. Collection method: clinical testing. Allele origin: germline.
Comment: the same text as in the submission from Illumina Laboratory Services, Illumina above.

Illumina Laboratory Services, Illumina
Classification: Benign for Tibial muscular dystrophy. Last evaluated: 2018-01-13. Review status: criteria provided, single submitter. Criteria: ICSL Variant Classification Criteria 13 December 2019. Collection method: clinical testing. Allele origin: germline.
Comment: the same text as in the submission from Illumina Laboratory Services, Illumina above.

Genetic Services Laboratory, University of Chicago
Classification: Benign for AllHighlyPenetrant. Last evaluated: 2013-08-15. Review status: criteria provided, single submitter. Criteria: ACMG Guidelines, 2007. Collection method: clinical testing. Allele origin: germline.

Biesecker Lab/Clinical Genomics Section, National Institutes of Health
Classification: Benign. Last evaluated: 2013-06-24. Review status: criteria provided, single submitter. Criteria: Ng et al. (Circ Cardiovasc Genet. 2013). Collection method: research. Allele origin: unknown. Observed: 27 variant alleles. Study: ClinSeq.
Comment: The study set was not selected for affection status in relation to any cancer. Pathogenicity categories were based on literature curation. See Pubmed ID:23861362 for details.

Medical sequencing

NM_001267550.2(TTN):c.25936C>T (p.Arg8646Cys)

Gene: TTN (titin; minus strand). Cytogenetic location: 2q31.2.
Variant type: single nucleotide variant.
Coding change: c.25936C>T on transcript NM_001267550.2 (MANE Select); coding-DNA position 25936, C replaced by T.
Protein change: p.Arg8646Cys; replaces arginine 8646 with cysteine.
Molecular consequence: missense variant. On other transcripts: intron variant (3).
Genome position (GRCh38, 1-based): chr2:178,715,250, G>A on the plus strand (C>T on the coding strand, the complement: TTN is on the minus strand). VCF-style: chr2-178715250-G-A. GRCh37 (hg19) VCF-style: chr2-179579977-G-A.
Other names: p.R7402C:CGC>TGC; c.13282+22832C>T (NM_003319.4); c.13858+22832C>T (NM_133437.4); c.13657+22832C>T (NM_133432.3); c.24985C>T, p.Arg8329Cys (NM_001256850.1); c.22204C>T, p.Arg7402Cys (NM_133378.4); short protein forms R8646C, R7402C, R8329C.
Identifiers: ClinVar variation 46770 (VCV000046770.57), dbSNP rs72648987, ClinGen allele CA282955.